The following is an entry in ClinVar:

ClinVar aggregate classification (germline): Likely benign. Review status: criteria provided, multiple submitters, no conflicts (2 of 4 stars). 2 submissions from 2 submitters: Likely benign (2). Last evaluated 2022-02-25.

Conditions:
COL18A1-related disorder. Also called: COL18A1-related disorders; COL18A1-related condition.
Hereditary glaucoma, primary closed-angle. Also called: Glaucoma, primary closed-angle. Identifiers: MedGen C5394374, MONDO:0030038, OMIM 618880.
Knobloch syndrome 1 (KNO1). Identifiers: MedGen C4551775, MONDO:0800167, OMIM 267750.

Submissions (2):

PreventionGenetics, part of Exact Sciences
Classification: Likely benign for COL18A1-related condition. Last evaluated: 2022-02-25. Review status: criteria provided, single submitter. Criteria: ACMG Guidelines, 2015. Collection method: clinical testing. Allele origin: germline.
Comment: This variant is classified as likely benign based on ACMG/AMP sequence variant interpretation guidelines (Richards et al. 2015 PMID: 25741868, with internal and published modifications).

Department of Pathology and Laboratory Medicine, Sinai Health System
Classification: Likely benign for Knobloch syndrome 1; Hereditary glaucoma, primary closed-angle. Last evaluated: 2021-05-10. Review status: criteria provided, single submitter. Criteria: ACMG Guidelines, 2015. Collection method: research. Allele origin: germline.

NM_001379500.1(COL18A1):c.2814CGGCCCCCC[1] (p.938PGP[3])

Gene: COL18A1 (collagen type XVIII alpha 1 chain; plus strand).
Variant type: Deletion.
Coding change: c.2814CGGCCCCCC[1] on transcript NM_001379500.1 (MANE Select); one copy of the 9-base unit CGGCCCCCC starting at c.2814.
Protein change: p.938PGP[3].
Molecular consequence: inframe deletion.
Other names: c.3354CGGCCCCCC[1], p.1118PGP[2] (NM_030582.4); c.4059CGGCCCCCC[1], p.1353PGP[2] (NM_130444.3); c.4057_4065del (NM_130444.3).
Identifiers: ClinVar variation 3034294 (VCV003034294.2).